The following is an entry in ClinVar:

NM_001165963.4(SCN1A):c.1423_1424delinsCT (p.Ala475Leu)

Gene: SCN1A (sodium voltage-gated channel alpha subunit 1; minus strand). Cytogenetic location: 2q24.3.
Variant type: Indel.
Coding change: c.1423_1424delinsCT on transcript NM_001165963.4 (MANE Select); coding-DNA positions 1423 to 1424, GC replaced by CT.
Protein change: p.Ala475Leu; replaces alanine 475 with leucine.
Molecular consequence: missense variant. On other transcripts: 5 prime UTR variant (1), non-coding transcript variant (1).
Genome position (GRCh38, 1-based): chr2:166,045,281-166,045,282, GC replaced by AG on the plus strand (GC replaced by CT on the coding strand, the reverse complement: SCN1A is on the minus strand). VCF-style: chr2-166045281-GC-AG. GRCh37 (hg19) VCF-style: chr2-166901791-GC-AG.
Other names: c.1423_1424delinsCT (NM_001165963.2); c.1423_1424delinsCT, p.Ala475Leu (NM_001165964.3, NM_001202435.3, NM_001353948.2 and 7 more transcripts); c.1420_1421delinsCT, p.Ala474Leu (NM_001353954.2, NM_001353955.2, NM_001353960.2); c.-1003_-1002delinsCT (NM_001353961.2); short protein forms A474L, A475L.
Identifiers: ClinVar variation 1164075 (VCV001164075.6), dbSNP rs2105852411, ClinGen allele CA2499215204.

ClinVar aggregate classification (germline): Uncertain significance. Review status: criteria provided, single submitter (1 of 4 stars). 3 submissions from 2 submitters: Uncertain significance (1). 2 of the submissions do not count toward it. Last evaluated 2019-02-28.

Conditions:
Generalized epilepsy with febrile seizures plus, type 2 (GEFSP2). Also called: GEFS+, TYPE 2. Identifiers: Orphanet 36387, MedGen C1858673, MONDO:0011461, OMIM 604403.
Severe myoclonic epilepsy in infancy (DRVT). Also called: Epileptic encephalopathy, early infantile, 6 (Dravet syndrome); SEVERE MYOCLONIC EPILEPSY OF INFANCY; DEVELOPMENTAL AND EPILEPTIC ENCEPHALOPATHY 6A; Severe Myoclonic Epilepsy in Infancy (SMEI); Dravet syndrome. Identifiers: Orphanet 33069, MedGen C0751122, MONDO:0100135, OMIM 607208.

Submissions (3):

Revvity Omics, Revvity
Classification: Uncertain significance. Last evaluated: 2019-02-28. Review status: criteria provided, single submitter. Criteria: ACMG Guidelines, 2015. Collection method: clinical testing. Allele origin: germline.

Lifecell International Pvt. Ltd
Classification: Uncertain significance for Severe myoclonic epilepsy in infancy. Review status: flagged submission. Criteria: ACMG Guidelines 2015. Collection method: clinical testing. Allele origin: germline. Inheritance: Autosomal dominant inheritance. Affected: yes. Observed: 1 variant allele, 1 heterozygote. Not counted in ClinVar's aggregate classification.
Comment: A heterozygous indel variant in exon 13 of SCN1A gene (c.1423_1424delinsCT) that results in amino acid substitution from Alanine to Valine at codon 475 (p. Ala475Val) was identified. The observed variant is not reported in 1000 Genomes and gnomAD database. The variant is conserved across the species and is predicted to be damaging by Mutation taster. Based on the above evidence this variant has been classified as variant of uncertain signficance according to the ACMG guidelines.
ClinVar note: Notes: Also, while the nucleotide change listed is correct, the amino acid change is not.
ClinVar note: Reason: Unnecessary conflicting claim for distinct condition when other classifications are more relevant

Lifecell International Pvt. Ltd
Classification: Pathogenic for Generalized epilepsy with febrile seizures plus, type 2. Review status: flagged submission. Criteria: ACMG Guidelines, 2015. Collection method: clinical testing. Allele origin: germline. Inheritance: Autosomal dominant inheritance. Affected: yes. Observed: 1 variant allele, 1 heterozygote. Not counted in ClinVar's aggregate classification.
Comment: A heterozygous variant (c.1423_1424delinsCT) in exon 13 of the SCN1A gene that results in the amino acid substitution from Alanine to Leucine at codon 475 (p.Ala475Leu) was identified. The observed variant is not present in both the 1000 Genomes and gnomAD databases. The reference base is conserved across the species and in-silico predictions by Polyphen and SIFT are damaging. The Missense Variants Z-Score for this variant is 5.52. Missense Variants Z-Score is produced by the Exome Aggregation Consortium (60,706 adult humans) by computing a signed Z score for the deviation of observed counts from the expected number. Positive Z scores indicate increased constraint (intolerance to variation) and therefore that the gene had fewer missense variants than expected. (DOI: 10.1038/nature19057). Missense Badness and MPC scores of this varaint is 0.35 and 0.69 respectively. The Missense Badness Score is the normalized fold difference of missense substitutions between observed and expected variants from ExAC dataset. This score is then combined with orthogonal deleteriousness metrics into one score called MPC (for Missense badness, PolyPhen-2, and Constraint) designed to classify whether a missense variants is deleterious. Variants with MPC â‰¥ 2 have a rate nearly 6 times higher in cases than in controls. While those with intermediate MPC values (1 â‰¤ MPC < 2) have a more modest excess in cases. Based on the above evidence this variant has been classified as Variant of uncertain significance according to the ACMG guidelines.
ClinVar note: Notes: The submitter has two conflicting submissions, one VUS, one Path but the Path one says VUS in the evidence summary. Please also note that the VUS submission reports the wrong amino acid change.
ClinVar note: Reason: Other submission error